The following is an entry in ClinVar:

NM_198253.3(TERT):c.541G>T (p.Ala181Ser)

Gene: TERT (telomerase reverse transcriptase; minus strand). Cytogenetic location: 5p15.33.
Variant type: single nucleotide variant.
Coding change: c.541G>T on transcript NM_198253.3 (MANE Select); coding-DNA position 541, G replaced by T.
Protein change: p.Ala181Ser; replaces alanine 181 with serine.
Molecular consequence: missense variant. On other transcripts: non-coding transcript variant (2).
Genome position (GRCh38, 1-based): chr5:1,294,345, C>A on the plus strand (G>T on the coding strand, the complement: TERT is on the minus strand). VCF-style: chr5-1294345-C-A. GRCh37 (hg19) VCF-style: chr5-1294460-C-A.
Other names: c.541G>T, p.Ala181Ser (NM_001193376.3); c.541G>T (NM_198253.2); short protein forms A181S.
Identifiers: ClinVar variation 1385545 (VCV001385545.7), dbSNP rs759137449, ClinGen allele CA3184961.
Genomic context (GRCh38, chr5:1,294,345, plus strand): 5'-GTTCGCATCCCAGACGCCTTCGGGGTCCACTAGCGTGTGGCGGGGGCCGGGCCTGAGTGG[C>A]AGCGCCGAGCTGGTACAGCGGCGGCCCGCACACCTGGTAGGCGCAGCTGGGAGCCACCAG-3'
Protein context (NP_937983.2, residues 171-191): CGPPLYQLGA[Ala181Ser]TQARPPPHAS

ClinVar aggregate classification (germline): Uncertain significance. Review status: criteria provided, multiple submitters, no conflicts (2 of 4 stars). 2 submissions from 2 submitters: Uncertain significance (2). Last evaluated 2024-02-06.

Conditions:
Idiopathic Pulmonary Fibrosis. Also called: Idiopathic fibrosing alveolitis, chronic form; idiopathic fibrosing alveolitis. Identifiers: Orphanet 2032, MedGen C1800706, MeSH D054990, MONDO:0800504.
Dyskeratosis congenita, autosomal dominant 2. Identifiers: MedGen C3151443, MONDO:0013521, OMIM 613989.
Dyskeratosis congenita. Identifiers: Orphanet 1775, MedGen C0265965, MONDO:0015780.

Allele frequency attached by ClinVar (database versions not stated): ExAC 0.00002.

Submissions (2):

Ambry Genetics
Classification: Uncertain significance for Dyskeratosis congenita. Last evaluated: 2024-02-06. Review status: criteria provided, single submitter. Criteria: Ambry Variant Classification Scheme 2023. Collection method: clinical testing. Allele origin: germline.
Comment: The p.A181S variant (also known as c.541G>T), located in coding exon 2 of the TERT gene, results from a G to T substitution at nucleotide position 541. The alanine at codon 181 is replaced by serine, an amino acid with similar properties. This amino acid position is conserved. In addition, this alteration is predicted to be tolerated by in silico analysis. Based on the available evidence, the clinical significance of this alteration remains unclear.

Labcorp Genetics (formerly Invitae), Labcorp
Classification: Uncertain significance for Dyskeratosis congenita, autosomal dominant 2; Idiopathic Pulmonary Fibrosis. Last evaluated: 2021-10-13. Review status: criteria provided, single submitter. Criteria: Invitae Variant Classification Sherloc (09022015). Collection method: clinical testing. Allele origin: germline.
Comment: In summary, the available evidence is currently insufficient to determine the role of this variant in disease. Therefore, it has been classified as a Variant of Uncertain Significance. Advanced modeling of protein sequence and biophysical properties (such as structural, functional, and spatial information, amino acid conservation, physicochemical variation, residue mobility, and thermodynamic stability) performed at Invitae indicates that this missense variant is not expected to disrupt TERT protein function. This sequence change replaces alanine with serine at codon 181 of the TERT protein (p.Ala181Ser). The alanine residue is weakly conserved and there is a moderate physicochemical difference between alanine and serine. This variant is present in population databases (rs759137449, ExAC 0.004%). This variant has not been reported in the literature in individuals with TERT-related conditions.